The following is an entry in ClinVar:

ClinVar aggregate classification (germline): Benign (1 of 4 stars; one submission).

gnomAD v4.1: 4,206 of 1,613,290 alleles (0.26%); highest among the groups gnomAD compares: Middle Eastern, 1%; 24 homozygotes.

Submissions (8):

CeGaT Center for Human Genetics Tuebingen
Classification: Benign. Last evaluated: 2025-11-01. Review status: criteria provided, single submitter. Criteria: CeGaT Center For Human Genetics Tuebingen Variant Classification Criteria Version 2. Collection method: clinical testing. Allele origin: germline. Affected: yes. Observed: 2 variant alleles.
Comment: MAN2B2: BS1, BS2

Dr. Peter K. Rogan Lab, Western University
No classification provided (evidence only). Condition: Clear cell carcinoma of kidney. Review status: no classification provided. Collection method: in vitro. Allele origin: not applicable. Functional consequence: skipped exon, retained intron. Not counted in ClinVar's aggregate classification.

Dr. Peter K. Rogan Lab, Western University
No classification provided (evidence only). Condition: Lung cancer. Review status: no classification provided. Collection method: in vitro. Allele origin: not applicable. Functional consequence: retained intron. Not counted in ClinVar's aggregate classification.

Dr. Peter K. Rogan Lab, Western University
No classification provided (evidence only). Condition: Lung cancer. Review status: no classification provided. Collection method: in vitro. Allele origin: not applicable. Functional consequence: skipped exon. Not counted in ClinVar's aggregate classification.

Dr. Peter K. Rogan Lab, Western University
No classification provided (evidence only). Condition: Familial cancer of breast. Review status: no classification provided. Collection method: in vitro. Allele origin: not applicable. Functional consequence: skipped exon. Not counted in ClinVar's aggregate classification.

Dr. Peter K. Rogan Lab, Western University
No classification provided (evidence only). Condition: Colon adenocarcinoma. Review status: no classification provided. Collection method: in vitro. Allele origin: not applicable. Functional consequence: retained intron. Not counted in ClinVar's aggregate classification.

Dr. Peter K. Rogan Lab, Western University
No classification provided (evidence only). Condition: Thyroid cancer, nonmedullary, 1. Review status: no classification provided. Collection method: in vitro. Allele origin: not applicable. Functional consequence: skipped exon. Not counted in ClinVar's aggregate classification.

Dr. Peter K. Rogan Lab, Western University
No classification provided (evidence only). Condition: Cervical cancer. Review status: no classification provided. Collection method: in vitro. Allele origin: not applicable. Functional consequence: skipped exon. Not counted in ClinVar's aggregate classification.

NM_015274.3(MAN2B2):c.1252C>A (p.Gln418Lys)

Gene: MAN2B2 (mannosidase alpha class 2B member 2; plus strand). Cytogenetic location: 4p16.1.
Variant type: single nucleotide variant.
Coding change: c.1252C>A on transcript NM_015274.3 (MANE Select); coding-DNA position 1252, C replaced by A.
Protein change: p.Gln418Lys; replaces glutamine 418 with lysine.
Molecular consequence: missense variant.
Genome position (GRCh38, 1-based): chr4:6,598,201, C>A. VCF-style: chr4-6598201-C-A. GRCh37 (hg19) VCF-style: chr4-6599928-C-A.
Other names: NC_000004.11:g.6599928C>A; c.1099C>A, p.Gln367Lys (NM_001292038.2); short protein forms Q367K, Q418K.
Identifiers: ClinVar variation 3904900 (VCV003904900.11).